The following is an entry in ClinVar:

NM_000277.3(PAH):c.1066-1G>C

Gene: PAH (phenylalanine hydroxylase; minus strand). Cytogenetic location: 12q23.2.
Variant type: single nucleotide variant.
Coding change: c.1066-1G>C on transcript NM_000277.3 (MANE Select); the canonical splice acceptor site of the intron before coding-DNA position 1066, G replaced by C.
Molecular consequence: splice acceptor variant.
Genome position (GRCh38, 1-based): chr12:102,843,780, C>G on the plus strand (G>C on the coding strand, the complement: PAH is on the minus strand). VCF-style: chr12-102843780-C-G. GRCh37 (hg19) VCF-style: chr12-103237558-C-G.
Other names: c.1066-1G>C (NM_001354304.2).
Identifiers: ClinVar variation 872841 (VCV000872841.1), dbSNP rs62508684, ClinGen allele CA16020929.

ClinVar aggregate classification (germline): Pathogenic (3 of 4 stars; one submission).

Conditions:
Phenylketonuria (PKU). Also called: FOLLING DISEASE; Phenylketonuria (PKU); OLIGOPHRENIA PHENYLPYRUVICA; Phenylketonurias. Identifiers: Orphanet 716, MedGen C0031485, MONDO:0009861, OMIM 261600. Disease mechanism: loss of function.

Submission:

ClinGen PAH Variant Curation Expert Panel
Classification: Pathogenic for Phenylketonuria. Last evaluated: 2019-10-18. Review status: reviewed by expert panel. Criteria: ClinGen PAH ACMG Specifications v1. Collection method: curation. Allele origin: germline. Inheritance: Autosomal recessive inheritance.
Comment: DHPR activity, biopterin and/or pteridine analysis was performed to rule out other causes of hyperphenylalaninemia. This variant is absent from the population databases ExAC and gnomAD. This variant in the -1 splice acceptor site results in exon skipping. In summary, this variant meets criteria to be classified as pathogenic for PAH. PAH-specific ACMG/AMP criteria applied: PVS1, PM2, PP4_moderate.

Literature cited by the submitters: PubMed 26503515.